The following is an entry in ClinVar:

NM_018979.4(WNK1):c.3845-3C>T

Gene: WNK1 (WNK lysine deficient protein kinase 1; plus strand). Cytogenetic location: 12p13.33.
Variant type: single nucleotide variant.
Coding change: c.3845-3C>T on transcript NM_018979.4 (MANE Select); 3 bases into the intron before coding-DNA position 3845, C replaced by T.
Molecular consequence: intron variant.
Genome position (GRCh38, 1-based): chr12:884,646, C>T. VCF-style: chr12-884646-C-T. GRCh37 (hg19) VCF-style: chr12-993812-C-T.
Other names: c.4601-3C>T (NM_213655.5); c.4625-3C>T (NM_001184985.2); c.3104-3C>T (NM_014823.3).
Identifiers: ClinVar variation 2926173 (VCV002926173.4), dbSNP rs778158376, ClinGen allele CA6382884.

ClinVar aggregate classification (germline): Uncertain significance. Review status: criteria provided, multiple submitters, no conflicts (2 of 4 stars). 2 submissions from 2 submitters: Uncertain significance (2). Last evaluated 2023-12-29.

Conditions:
Neuropathy, hereditary sensory and autonomic, type 2A (HSAN2A). Also called: HSAN IIA; WNK1-Related HSAN2 (HSAN2A); ACROOSTEOLYSIS, GIACCAI TYPE; ACROOSTEOLYSIS, NEUROGENIC; MORVAN DISEASE; NEUROPATHY, CONGENITAL SENSORY. Identifiers: Orphanet 970, MedGen C2752089, MONDO:0024309, OMIM 201300.
Pseudohypoaldosteronism type 2C (PHA2C). Also called: Pseudohypoaldosteronism Type IIC. Identifiers: Orphanet 757, Orphanet 88940, MedGen C1840391, MONDO:0013778, OMIM 614492.

Allele frequency attached by ClinVar (database versions not stated): gnomAD exomes below 0.00001; ExAC 0.00002; gnomAD 0.00004; TOPMed 0.00005.
gnomAD v4.1: 8 of 1,613,276 alleles (0.0005%); highest among the groups gnomAD compares: African/African-American, 0.011%; no homozygotes.

Submissions (2):

Labcorp Genetics (formerly Invitae), Labcorp
Classification: Uncertain significance for Neuropathy, hereditary sensory and autonomic, type 2A; Pseudohypoaldosteronism type 2C. Last evaluated: 2023-12-29. Review status: criteria provided, single submitter. Criteria: Invitae Variant Classification Sherloc (09022015). Collection method: clinical testing. Allele origin: germline.
Comment: This sequence change falls in intron 18 of the WNK1 gene. It does not directly change the encoded amino acid sequence of the WNK1 protein. It affects a nucleotide within the consensus splice site. This variant is present in population databases (rs778158376, gnomAD 0.02%). This variant has not been reported in the literature in individuals affected with WNK1-related conditions. Variants that disrupt the consensus splice site are a relatively common cause of aberrant splicing (PMID: 17576681, 9536098). Algorithms developed to predict the effect of sequence changes on RNA splicing suggest that this variant is not likely to affect RNA splicing. In summary, the available evidence is currently insufficient to determine the role of this variant in disease. Therefore, it has been classified as a Variant of Uncertain Significance.

Fulgent Genetics
Classification: Uncertain significance for Neuropathy, hereditary sensory and autonomic, type 2A; Pseudohypoaldosteronism type 2C. Last evaluated: 2023-12-28. Review status: criteria provided, single submitter. Criteria: ACMG Guidelines, 2015. Collection method: clinical testing. Allele origin: germline.

Literature cited by the submitters: PubMed 17576681 (cited by Labcorp Genetics (formerly Invitae), Labcorp); PubMed 9536098 (cited by Labcorp Genetics (formerly Invitae), Labcorp).